The following is an entry in ClinVar:

NM_016734.3(PAX5):c.1067A>G (p.Asp356Gly)

Gene: PAX5 (paired box 5; minus strand). Cytogenetic location: 9p13.2.
Variant type: single nucleotide variant.
Coding change: c.1067A>G on transcript NM_016734.3 (MANE Select); coding-DNA position 1067, A replaced by G.
Protein change: p.Asp356Gly; replaces aspartic acid 356 with glycine.
Molecular consequence: missense variant. On other transcripts: non-coding transcript variant (2), intron variant (5).
Genome position (GRCh38, 1-based): chr9:36,846,875, T>C on the plus strand (A>G on the coding strand, the complement: PAX5 is on the minus strand). VCF-style: chr9-36846875-T-C. GRCh37 (hg19) VCF-style: chr9-36846872-T-C.
Other names: c.965A>G, p.Asp322Gly (NM_001280547.2); c.835A>G, p.Thr279Ala (NM_001280549.2); c.938A>G, p.Asp313Gly (NM_001280554.2); c.767A>G, p.Asp256Gly (NM_001280555.2); c.743A>G, p.Asp248Gly (NM_001280556.2); c.587-6239A>G (NM_001280551.2); c.884-6239A>G (NM_001280553.2); c.781-6239A>G (NM_001280550.2); and 2 more; short protein forms D248G, D313G, D322G, D356G, D256G, T279A.
Identifiers: ClinVar variation 3928347 (VCV003928347.1).

ClinVar aggregate classification (germline): Uncertain significance (1 of 4 stars; one submission).

Conditions:
Inborn genetic diseases. Identifiers: MedGen C0950123, MeSH D030342.

Submission:

Ambry Genetics
Classification: Uncertain significance for Inborn genetic diseases. Last evaluated: 2025-05-31. Review status: criteria provided, single submitter. Criteria: Ambry Variant Classification Scheme 2023. Collection method: clinical testing. Allele origin: germline.
Comment: The p.D356G variant (also known as c.1067A>G), located in coding exon 9 of the PAX5 gene, results from an A to G substitution at nucleotide position 1067. The aspartic acid at codon 356 is replaced by glycine, an amino acid with similar properties. This amino acid position is conserved. In addition, the in silico prediction for this alteration is inconclusive. Based on the available evidence, the clinical significance of this variant remains unclear.